The following is an entry in ClinVar:

NM_002432.3(MNDA):c.854C>T (p.Ser285Phe)

Gene: MNDA (myeloid cell nuclear differentiation antigen; plus strand). Cytogenetic location: 1q23.1.
Variant type: single nucleotide variant.
Coding change: c.854C>T on transcript NM_002432.3 (MANE Select); coding-DNA position 854, C replaced by T.
Protein change: p.Ser285Phe; replaces serine 285 with phenylalanine.
Molecular consequence: missense variant.
Genome position (GRCh38, 1-based): chr1:158,845,870, C>T. VCF-style: chr1-158845870-C-T. GRCh37 (hg19) VCF-style: chr1-158815660-C-T.
Other names: short protein forms S285F.
Identifiers: ClinVar variation 3222214 (VCV003222214.1), dbSNP rs1185345854, ClinGen allele CA343042001.

ClinVar aggregate classification (germline): Uncertain significance (1 of 4 stars; one submission).

Allele frequency attached by ClinVar (database versions not stated): gnomAD exomes below 0.00001.
gnomAD v4.1: 2 of 1,614,184 alleles (0.00012%); highest among the groups gnomAD compares: Admixed American, 0.0033%; no homozygotes.

Submission:

Ambry Genetics
Classification: Uncertain significance. Last evaluated: 2023-12-15. Review status: criteria provided, single submitter. Criteria: Ambry Variant Classification Scheme 2023. Collection method: clinical testing. Allele origin: germline.
Comment: The p.S285F variant (also known as c.854C>T), located in coding exon 4 of the MNDA gene, results from a C to T substitution at nucleotide position 854. The serine at codon 285 is replaced by phenylalanine, an amino acid with highly dissimilar properties. This amino acid position is conserved. In addition, this alteration is predicted to be tolerated by in silico analysis. Since supporting evidence is limited at this time, the clinical significance of this alteration remains unclear.